The following is an entry in ClinVar:

NM_000135.4(FANCA):c.761GAA[1] (p.Arg255del)

Gene: FANCA (FA complementation group A; minus strand). Cytogenetic location: 16q24.3.
Variant type: Microsatellite.
Coding change: c.761GAA[1] on transcript NM_000135.4 (MANE Select); one copy of the 3-base unit GAA starting at c.761; the reference has two copies in a row; one copy, 3 bases deleted; also written c.764_766del.
Protein change: p.Arg255del; deletes arginine 255.
Molecular consequence: inframe deletion.
Genome position (GRCh38, 1-based): chr16:89,803,285-89,803,287, TTC deleted on the plus strand (GAA on the coding strand, the reverse complement: FANCA is on the minus strand); deleting any 3 consecutive bases within chr16:89,803,285-89,803,291 gives the same sequence; the position shown is the placement nearest the transcript's 3' end. VCF-style (leftmost placement, unchanged base first): chr16-89803284-GTTC-G. GRCh37 (hg19) VCF-style: chr16-89869692-GTTC-G.
Other names: p.Arg255del; c.764_766delGAA (NM_000135.4); c.761GAA[1], p.Arg255del (NM_001018112.3, NM_001286167.3); c.665GAA[1], p.Arg223del (NM_001351830.2); c.764_766del (NM_000135.4, NM_000135.2, NM_000135.3); short protein forms R255del, R223del.
Identifiers: ClinVar variation 134292 (VCV000134292.18), dbSNP rs555210441, ClinGen allele CA159376.

ClinVar aggregate classification (germline): Uncertain significance. Review status: criteria provided, multiple submitters, no conflicts (2 of 4 stars). 10 submissions from 10 submitters: Uncertain significance (8). 2 of the submissions do not count toward it. Last evaluated 2026-02-01.

Conditions:
FANCA-related disorder. Also called: FANCA-related condition.
Fanconi anemia (FA). Also called: Fanconi's anemia. Identifiers: Orphanet 84, MedGen C0015625, MeSH D005199, MONDO:0019391.
Fanconi anemia complementation group A (FANCA). Also called: FANCA-Related Fanconi Anemia; Fanconi anemia, group A. Identifiers: Orphanet 84, MedGen C3469521, MONDO:0009215, OMIM 227650.

Submissions (10):

Labcorp Genetics (formerly Invitae), Labcorp
Classification: Uncertain significance for Fanconi anemia. Last evaluated: 2026-02-01. Review status: criteria provided, single submitter. Criteria: Invitae Variant Classification Sherloc (09022015). Collection method: clinical testing. Allele origin: germline.
Comment: This variant, c.764_766del, results in the deletion of 1 amino acid(s) of the FANCA protein (p.Arg255del), but otherwise preserves the integrity of the reading frame. This variant is present in population databases (rs555210441, gnomAD 0.02%). This variant has been observed in individual(s) with Fanconi anemia and/or immunodeficiency (PMID: 9371798, 37353797). ClinVar contains an entry for this variant (Variation ID: 134292). Experimental studies and prediction algorithms are not available or were not evaluated, and the functional significance of this variant is currently unknown. In summary, the available evidence is currently insufficient to determine the role of this variant in disease. Therefore, it has been classified as a Variant of Uncertain Significance.

Quest Diagnostics Nichols Institute San Juan Capistrano
Classification: Uncertain significance. Last evaluated: 2025-05-07. Review status: criteria provided, single submitter. Criteria: Quest Diagnostics criteria. Collection method: clinical testing. Allele origin: unknown.
Comment: The FANCA c.764_766del (p.Arg255del) variant has been reported in the published literature in an individual with Fanconi anemia (PMID: 9371798 (1997)), and in reportedly unaffected individuals (PMID: 24728327 (2014), 29641532 (2018)). The frequency of this variant in the general population (Genome Aggregation Database) is uninformative in the assessment of its pathogenicity. Based on the available information, we are unable to determine the clinical significance of this variant.

PreventionGenetics, part of Exact Sciences
Classification: Uncertain significance for FANCA-related condition. Last evaluated: 2025-04-24. Review status: criteria provided, single submitter. Criteria: ACMG Guidelines, 2015. Collection method: clinical testing. Allele origin: germline.
Comment: The FANCA c.764_766delGAA variant is predicted to result in an in-frame deletion (p.Arg255del). This variant has been reported in individual(s) with Fanconi anemia, but did not segregate with the disorder in the family (Levran et al. 1997. PubMed ID: 9371798). This variant has been reported in two individuals (who both also carried the c.4015C>T variant) from a study of germline variation in a healthy, ancestrally diverse cohort (Table S1, Bodian et al. 2014. PubMed ID: 24728327; Supplementary Table UK10K_AR, Pritchard et al. 2018. PubMed ID: 29641532). The c.764_766delGAA and c.4015C>T variants were identified in a computational study for DNA-damage response proteins and both were classified as uncertain (Supplemental document_MOESM2_sheet 8, Magraner-Pardo et al. 2021. PubMed Link: 34253785). The c.764_766delGAA variant has been noted in cis with the c.4015C>T variant in the compound heterozygous state with another FANCA uncertain variant c.553C>A in two unrelated families with both probands having features suggestive for Fanconi anemia (Internal Data, PreventionGenetics). This variant is reported in 0.028% of alleles in individuals of African descent in gnomAD. At this time, the clinical significance of this variant is uncertain due to the absence of conclusive functional and genetic evidence.

GeneDx
Classification: Uncertain significance. Last evaluated: 2025-03-19. Review status: criteria provided, single submitter. Criteria: GeneDx Variant Classification Process June 2021. Collection method: clinical testing. Allele origin: germline. Affected: yes.
Comment: In-frame deletion of 1 amino acid(s) in a non-repeat region; In silico analysis indicates that this variant does not alter protein structure/function; This variant is associated with the following publications: (PMID: 37353797, 9371798, 29641532, 24728327)

Blueprint Genetics
Classification: Uncertain significance. Last evaluated: 2024-11-25. Review status: criteria provided, single submitter. Criteria: ACMG Guidelines, 2015. Collection method: clinical testing. Allele origin: germline.

Mayo Clinic Laboratories, Mayo Clinic
Classification: Uncertain significance. Last evaluated: 2022-09-13. Review status: criteria provided, single submitter. Criteria: ACMG Guidelines, 2015. Collection method: clinical testing. Allele origin: germline. Observed: 1 variant allele.
Comment: PM4

Sema4
Classification: Uncertain significance for Fanconi anemia. Last evaluated: 2022-01-26. Review status: criteria provided, single submitter. Criteria: Sema4 Curation Guidelines. Collection method: curation. Allele origin: germline.
Comment: The FANCA c.764_766delGAA (p.R255del) variant has been reported in at least one individual with Fanconi anemia, however, it did not segregate with the disease phenotype (PMID: 9371798). Additionally, the variant was also observed in control populations (PMID: 24728327, 29641532). It was observed in 7/24964 chromosomes of the African/African American subpopulation in the large and broad cohorts of the Genome Aggregation Database (PMID: 32461654). The variant has been reported in ClinVar (Variation ID 134292). The evidence is insufficient to meet ACMG/AMP criteria for classifying the variant as benign or pathogenic. Thus, the clinical significance of this variant is currently uncertain.

Revvity Omics, Revvity
Classification: Uncertain significance for Fanconi anemia complementation group A. Last evaluated: 2019-05-31. Review status: criteria provided, single submitter. Criteria: ACMG Guidelines, 2015. Collection method: clinical testing. Allele origin: germline.

Natera, Inc.
Classification: Uncertain significance for Fanconi anemia, group A. Last evaluated: 2020-09-16. Review status: no assertion criteria provided. Collection method: clinical testing. Allele origin: germline. Not counted in ClinVar's aggregate classification.

ITMI
No classification provided. Condition: AllHighlyPenetrant. Last evaluated: 2013-09-19. Review status: no classification provided. Collection method: reference population. Allele origin: germline. Not counted in ClinVar's aggregate classification.
Comment: Please see associated publication for description of ethnicities

Literature cited by the submitters: PubMed 9371798 (cited by 3 submitters); PubMed 37353797 (cited by Labcorp Genetics (formerly Invitae), Labcorp and Quest Diagnostics Nichols Institute San Juan Capistrano); PubMed 24728327 (cited by 3 submitters); PubMed 29641532 (cited by Quest Diagnostics Nichols Institute San Juan Capistrano and Sema4).